The following is an entry in ClinVar:

NM_001294.4(CLPTM1):c.59G>A (p.Gly20Asp)

Genes: CLPTM1 (CLPTM1 regulator of GABA type A receptor forward trafficking; plus strand), LOC130064657 (ATAC-STARR-seq lymphoblastoid silent region 10745; plus strand). Cytogenetic location: 19q13.32.
Variant type: single nucleotide variant.
Coding change: c.59G>A on transcript NM_001294.4 (MANE Select); coding-DNA position 59, G replaced by A.
Protein change: p.Gly20Asp; replaces glycine 20 with aspartic acid.
Molecular consequence: missense variant. On other transcripts: intron variant (2).
Genome position (GRCh38, 1-based): chr19:44,955,454, G>A. VCF-style: chr19-44955454-G-A. GRCh37 (hg19) VCF-style: chr19-45458711-G-A.
Other names: c.-235+753G>A (NM_001282176.2); c.30+369G>A (NM_001282175.2); c.59G>A (NM_001294.3); short protein forms G20D.
Identifiers: ClinVar variation 2207672 (VCV002207672.4), dbSNP rs1167320603, ClinGen allele CA406296601.

ClinVar aggregate classification (germline): Uncertain significance. Review status: criteria provided, single submitter (1 of 4 stars). 2 submissions from 2 submitters: Uncertain significance (1). 1 of the submissions does not count toward it. Last evaluated 2022-10-27.

Conditions:
CLPTM1-related disorder. Also called: CLPTM1-related condition.

Allele frequency attached by ClinVar (database versions not stated): gnomAD exomes 0.00001; TOPMed 0.00001; gnomAD 0.00003.
gnomAD v4.1: 15 of 1,331,994 alleles (0.0011%); highest among the groups gnomAD compares: Non-Finnish European, 0.0012%; no homozygotes.

Submissions (2):

Ambry Genetics
Classification: Uncertain significance. Last evaluated: 2022-10-27. Review status: criteria provided, single submitter. Criteria: Ambry Variant Classification Scheme 2023. Collection method: clinical testing. Allele origin: germline.

PreventionGenetics, part of Exact Sciences
Classification: Uncertain significance for CLPTM1-related condition. Last evaluated: 2024-01-09. Review status: no assertion criteria provided. Collection method: clinical testing. Allele origin: germline. Not counted in ClinVar's aggregate classification.
Comment: The CLPTM1 c.59G>A variant is predicted to result in the amino acid substitution p.Gly20Asp. To our knowledge, this variant has not been reported in the literature. This variant is reported in 0.010% of alleles in individuals of European (Non-Finnish) descent in gnomAD. At this time, the clinical significance of this variant is uncertain due to the absence of conclusive functional and genetic evidence.